The following is an entry in ClinVar:

ClinVar aggregate classification (germline): Likely benign. Review status: criteria provided, multiple submitters, no conflicts (2 of 4 stars). 3 submissions from 3 submitters: Likely benign (3). Last evaluated 2024-03-01.

Allele frequency attached by ClinVar (database versions not stated): 1000 Genomes Project 0.00260; 1000 Genomes Project 30x 0.00265; gnomAD 0.00466; TOPMed 0.00472; gnomAD exomes 0.00488; ExAC 0.00515; ESP Exome Variant Server 0.00646.
gnomAD v4.1: 9,886 of 1,612,164 alleles (0.61%); highest among the groups gnomAD compares: Non-Finnish European, 0.71%; 50 homozygotes.

Submissions (3):

CeGaT Center for Human Genetics Tuebingen
Classification: Likely benign. Last evaluated: 2024-03-01. Review status: criteria provided, single submitter. Criteria: CeGaT Center For Human Genetics Tuebingen Variant Classification Criteria Version 2. Collection method: clinical testing. Allele origin: germline. Affected: yes. Observed: 2 variant alleles.
Comment: USP36: BS2

Labcorp Genetics (formerly Invitae), Labcorp
Classification: Likely benign. Last evaluated: 2018-05-14. Review status: criteria provided, single submitter. Criteria: Invitae Variant Classification Sherloc (09022015). Collection method: clinical testing. Allele origin: germline.

Breakthrough Genomics
Classification: Likely benign. Review status: criteria provided, single submitter. Criteria: ACMG Guidelines, 2015. Collection method: not provided. Allele origin: germline. Inheritance: Unknown mechanism. Affected: yes.

NM_001385174.1(USP36):c.598C>A (p.His200Asn)

Gene: USP36 (ubiquitin specific peptidase 36; minus strand). Cytogenetic location: 17q25.3.
Variant type: single nucleotide variant.
Coding change: c.598C>A on transcript NM_001385174.1 (MANE Select); coding-DNA position 598, C replaced by A.
Protein change: p.His200Asn; replaces histidine 200 with asparagine.
Molecular consequence: missense variant. On other transcripts: 5 prime UTR variant (2), non-coding transcript variant (5).
Genome position (GRCh38, 1-based): chr17:78,827,336, G>T on the plus strand (C>A on the coding strand, the complement: USP36 is on the minus strand). VCF-style: chr17-78827336-G-T. GRCh37 (hg19) VCF-style: chr17-76823418-G-T.
Other names: c.598C>A, p.His200Asn (NM_001321291.2, NM_001385169.1, NM_001385170.1 and 5 more transcripts); c.103C>A, p.His35Asn (NM_001385177.1, NM_001385178.1); c.-104C>A (NM_001385179.1); c.-60C>A (NM_001385180.1); short protein forms H200N, H35N.
Identifiers: ClinVar variation 771769 (VCV000771769.28), dbSNP rs150547254, ClinGen allele CA8807353.